The following is an entry in ClinVar:

NM_001374385.1(ATP8B1):c.3692G>T (p.Arg1231Leu)

Genes: ATP8B1 (ATPase phospholipid transporting 8B1; minus strand), ATP8B1-AS1 (ATP8B1 antisense RNA 1; plus strand). Cytogenetic location: 18q21.31.
Variant type: single nucleotide variant.
Coding change: c.3692G>T on transcript NM_001374385.1 (MANE Select); coding-DNA position 3692, G replaced by T.
Protein change: p.Arg1231Leu; replaces arginine 1231 with leucine.
Molecular consequence: missense variant.
Genome position (GRCh38, 1-based): chr18:57,648,552, C>A on the plus strand (G>T on the coding strand, the complement: ATP8B1 is on the minus strand). VCF-style: chr18-57648552-C-A. GRCh37 (hg19) VCF-style: chr18-55315784-C-A.
Other names: c.3542G>T, p.Arg1181Leu (NM_001374386.1); c.3692G>T, p.Arg1231Leu (NM_005603.6); short protein forms R1231L, R1181L.
Identifiers: ClinVar variation 4985266 (VCV004985266.1).

ClinVar aggregate classification (germline): Uncertain significance (1 of 4 stars; one submission).

Conditions:
ATP8B1-related disorder. Also called: ATP8B1-related disorders; ATP8B1-related condition.

gnomAD v4.1: 2 of 1,611,550 alleles (0.00012%); highest among the groups gnomAD compares: Admixed American, 0.0017%; no homozygotes.

Submission:

PreventionGenetics, part of Exact Sciences
Classification: Uncertain significance for ATP8B1-related condition. Last evaluated: 2024-11-13. Review status: criteria provided, single submitter. Criteria: ACMG Guidelines, 2015. Collection method: clinical testing. Allele origin: germline.
Comment: The ATP8B1 c.3692G>T variant is predicted to result in the amino acid substitution p.Arg1231Leu. To our knowledge, this variant has not been reported in the literature. This variant is reported in 0.0033% of alleles in individuals of South Asian descent in gnomAD. At this time, the clinical significance of this variant is uncertain due to the absence of conclusive functional and genetic evidence.